The following is an entry in ClinVar:

ClinVar aggregate classification (germline): Uncertain significance (1 of 4 stars; one submission).

Conditions:
CHD1L-related disorder. Also called: CHD1L-related condition.

gnomAD v4.1: 224 of 1,614,034 alleles (0.014%); highest among the groups gnomAD compares: Non-Finnish European, 0.018%; no homozygotes.

Submission:

PreventionGenetics, part of Exact Sciences
Classification: Uncertain significance for CHD1L-related condition. Last evaluated: 2026-07-05. Review status: criteria provided, single submitter. Criteria: ACMG Guidelines, 2015. Collection method: clinical testing. Allele origin: germline.
Comment: The CHD1L c.2429A>G variant is predicted to result in the amino acid substitution p.Asn810Ser. To our knowledge, this variant has not been reported in the literature. This variant is reported in 0.011% of alleles in individuals of European (Non-Finnish) descent in gnomAD. At this time, the clinical significance of this variant is uncertain due to the absence of conclusive functional and genetic evidence.

NM_004284.6(CHD1L):c.2429A>G (p.Asn810Ser)

Genes: CHD1L (chromodomain helicase DNA binding protein 1 like; plus strand), LOC126805854 (BRD4-independent group 4 enhancer GRCh37_chr1:146764440-146765639; plus strand). Cytogenetic location: 1q21.1.
Variant type: single nucleotide variant.
Coding change: c.2429A>G on transcript NM_004284.6 (MANE Select); coding-DNA position 2429, A replaced by G.
Protein change: p.Asn810Ser; replaces asparagine 810 with serine.
Molecular consequence: missense variant. On other transcripts: non-coding transcript variant (16).
Genome position (GRCh38, 1-based): chr1:147,293,645, A>G. VCF-style: chr1-147293645-A-G. GRCh37 (hg19) VCF-style: chr1-146765329-A-G.
Other names: c.2129A>G, p.Asn710Ser (NM_001256336.3); c.1586A>G, p.Asn529Ser (NM_001256337.3, NM_001348456.2, NM_001348457.2 and 9 more transcripts); c.1817A>G, p.Asn606Ser (NM_001256338.3); c.2213A>G, p.Asn738Ser (NM_001348451.2, NM_001348452.2); c.2090A>G, p.Asn697Ser (NM_001348453.2, NM_024568.4); c.1973A>G, p.Asn658Ser (NM_001348454.2); c.1940A>G, p.Asn647Ser (NM_001348455.2); short protein forms N606S, N697S, N529S, N658S, N738S, N647S, N710S, N810S.
Identifiers: ClinVar variation 4987693 (VCV004987693.1).
Genomic context (GRCh38, chr1:147,293,645, plus strand): 5'-CATCTAATGGTGGTTCTTTCCAGTTGGCCTTGATTGTGGCTCAGCATCGTGATCGTTCCA[A>G]TGTCCTGTCTGGCATTAAGATGGCAGCCCTAGAAGAGGGCCTGAAGAAGATATTTTTAGC-3'
Protein context (NP_004275.4, residues 800-820): LIVAQHRDRS[Asn810Ser]VLSGIKMAAL